The following is an entry in ClinVar:

NM_020877.5(DNAH2):c.11899C>T (p.Pro3967Ser)

Gene: DNAH2 (dynein axonemal heavy chain 2; plus strand). Cytogenetic location: 17p13.1.
Variant type: single nucleotide variant.
Coding change: c.11899C>T on transcript NM_020877.5 (MANE Select); coding-DNA position 11899, C replaced by T.
Protein change: p.Pro3967Ser; replaces proline 3967 with serine.
Molecular consequence: missense variant.
Genome position (GRCh38, 1-based): chr17:7,830,345, C>T. VCF-style: chr17-7830345-C-T. GRCh37 (hg19) VCF-style: chr17-7733663-C-T.
Other names: short protein forms P3967S.
Identifiers: ClinVar variation 774346 (VCV000774346.29), dbSNP rs149406306, ClinGen allele CA8359611.

ClinVar aggregate classification (germline): Benign/Likely benign. Review status: criteria provided, multiple submitters, no conflicts (2 of 4 stars). 4 submissions from 4 submitters: Benign (2); Likely benign (1). 1 of the submissions does not count toward it. Last evaluated 2024-11-01.

Conditions:
DNAH2-related disorder. Also called: DNAH2-related condition.

Allele frequency attached by ClinVar (database versions not stated): 1000 Genomes Project 30x 0.00094; 1000 Genomes Project 0.00120; ESP Exome Variant Server 0.00208; TOPMed 0.00229; gnomAD 0.00237; ExAC 0.00275.
gnomAD v4.1: 3,906 of 1,614,248 alleles (0.24%); highest among the groups gnomAD compares: Middle Eastern, 1.5%; 20 homozygotes.

Submissions (4):

CeGaT Center for Human Genetics Tuebingen
Classification: Likely benign. Last evaluated: 2024-11-01. Review status: criteria provided, single submitter. Criteria: CeGaT Center For Human Genetics Tuebingen Variant Classification Criteria Version 2. Collection method: clinical testing. Allele origin: germline. Affected: yes. Observed: 5 variant alleles.
Comment: DNAH2: BP4

Labcorp Genetics (formerly Invitae), Labcorp
Classification: Benign. Last evaluated: 2019-12-31. Review status: criteria provided, single submitter. Criteria: Invitae Variant Classification Sherloc (09022015). Collection method: clinical testing. Allele origin: germline.

Breakthrough Genomics
Classification: Benign. Review status: criteria provided, single submitter. Criteria: ACMG Guidelines, 2015. Collection method: not provided. Allele origin: germline. Inheritance: Autosomal recessive inheritance. Affected: yes.

PreventionGenetics, part of Exact Sciences
Classification: Benign for DNAH2-related condition. Last evaluated: 2019-08-12. Review status: no assertion criteria provided. Collection method: clinical testing. Allele origin: germline. Not counted in ClinVar's aggregate classification.
Comment: This variant is classified as benign based on ACMG/AMP sequence variant interpretation guidelines (Richards et al. 2015 PMID: 25741868, with internal and published modifications).